The following is an entry in ClinVar:

ClinVar aggregate classification (germline): Conflicting classifications of pathogenicity. Review status: criteria provided, conflicting classifications (1 of 4 stars). 3 submissions from 3 submitters: Uncertain significance (2); Likely benign (1). Last evaluated 2025-04-14.

Conditions:
Inborn genetic diseases. Identifiers: MedGen C0950123, MeSH D030342.

Allele frequency attached by ClinVar (database versions not stated): gnomAD exomes 0.00001; gnomAD 0.00009; TOPMed 0.00013.
gnomAD v4.1: 28 of 1,585,842 alleles (0.0018%); highest among the groups gnomAD compares: African/African-American, 0.032%; no homozygotes.

Submissions (3):

Labcorp Genetics (formerly Invitae), Labcorp
Classification: Uncertain significance. Last evaluated: 2025-04-14. Review status: criteria provided, single submitter. Criteria: Invitae Variant Classification Sherloc (09022015). Collection method: clinical testing. Allele origin: germline.
Comment: This sequence change replaces lysine, which is basic and polar, with arginine, which is basic and polar, at codon 443 of the PRPF3 protein (p.Lys443Arg). This variant is present in population databases (no rsID available, gnomAD 0.02%). This missense change has been observed in individual(s) with retinitis pigmentosa (internal data). ClinVar contains an entry for this variant (Variation ID: 1052472). Invitae Evidence Modeling of protein sequence and biophysical properties (such as structural, functional, and spatial information, amino acid conservation, physicochemical variation, residue mobility, and thermodynamic stability) has been performed for this missense variant. However, the output from this modeling did not meet the statistical confidence thresholds required to predict the impact of this variant on PRPF3 protein function. Algorithms developed to predict the effect of sequence changes on RNA splicing suggest that this variant may disrupt the consensus splice site. In summary, the available evidence is currently insufficient to determine the role of this variant in disease. Therefore, it has been classified as a Variant of Uncertain Significance.

Ambry Genetics
Classification: Uncertain significance for Inborn genetic diseases. Last evaluated: 2024-11-13. Review status: criteria provided, single submitter. Criteria: Ambry Variant Classification Scheme 2023. Collection method: clinical testing. Allele origin: germline.

Blueprint Genetics
Classification: Likely benign. Last evaluated: 2021-11-11. Review status: criteria provided, single submitter. Criteria: ACMG Guidelines, 2015. Collection method: clinical testing. Allele origin: germline.

NM_004698.4(PRPF3):c.1328A>G (p.Lys443Arg)

Gene: PRPF3 (pre-mRNA processing factor 3; plus strand). Cytogenetic location: 1q21.2.
Variant type: single nucleotide variant.
Coding change: c.1328A>G on transcript NM_004698.4 (MANE Select); coding-DNA position 1328, A replaced by G.
Protein change: p.Lys443Arg; replaces lysine 443 with arginine.
Molecular consequence: missense variant. On other transcripts: non-coding transcript variant (4).
Genome position (GRCh38, 1-based): chr1:150,343,354, A>G. VCF-style: chr1-150343354-A-G. GRCh37 (hg19) VCF-style: chr1-150315830-A-G.
Other names: c.923A>G, p.Lys308Arg (NM_001350529.1); c.1328A>G (NM_004698.2); short protein forms K308R, K443R.
Identifiers: ClinVar variation 1052472 (VCV001052472.11), dbSNP rs907184088, ClinGen allele CA30026273.